The following is an entry in ClinVar:

NM_001243133.2(NLRP3):c.3070C>T (p.Pro1024Ser)

Gene: NLRP3 (NLR family pyrin domain containing 3; plus strand). Cytogenetic location: 1q44.
Variant type: single nucleotide variant.
Coding change: c.3070C>T on transcript NM_001243133.2 (MANE Select); coding-DNA position 3070, C replaced by T.
Protein change: p.Pro1024Ser; replaces proline 1024 with serine.
Molecular consequence: missense variant.
Genome position (GRCh38, 1-based): chr1:247,448,469, C>T. VCF-style: chr1-247448469-C-T. GRCh37 (hg19) VCF-style: chr1-247611771-C-T.
Other names: c.3070C>T, p.Pro1024Ser (NM_001079821.3); c.2899C>T, p.Pro967Ser (NM_001127461.3, NM_001127462.3); c.3076C>T, p.Pro1026Ser (NM_004895.5); c.2728C>T, p.Pro910Ser (NM_183395.3); short protein forms P1026S, P967S, P1024S, P910S.
Identifiers: ClinVar variation 3633883 (VCV003633883.2).
Genomic context (GRCh38, chr1:247,448,469, plus strand): 5'-TCTGAAATGTATTTCAATTATGAGACAAAAAGTGCGTTAGAAACACTTCAAGAAGAAAAG[C>T]CTGAGCTGACCGTCGTCTTTGAGCCTTCTTGGTAGGAGTGGAAACGGGGCTGCCAGACGC-3'
Protein context (NP_001230062.1, residues 1014-1034): SALETLQEEK[Pro1024Ser]ELTVVFEPSW

ClinVar aggregate classification (germline): Uncertain significance (1 of 4 stars; one submission).

Conditions:
Cryopyrin associated periodic syndrome (CAPS). Identifiers: Orphanet 208650, MedGen C2316212, MONDO:0016168.

gnomAD v4.1: 2 of 1,613,368 alleles (0.00012%); highest among the groups gnomAD compares: African/African-American, 0.0027%; no homozygotes.

Submission:

Labcorp Genetics (formerly Invitae), Labcorp
Classification: Uncertain significance for Cryopyrin associated periodic syndrome. Last evaluated: 2024-12-18. Review status: criteria provided, single submitter. Criteria: Invitae Variant Classification Sherloc (09022015). Collection method: clinical testing. Allele origin: germline.
Comment: This sequence change replaces proline, which is neutral and non-polar, with serine, which is neutral and polar, at codon 1026 of the NLRP3 protein (p.Pro1026Ser). This variant is not present in population databases (gnomAD no frequency). This variant has not been reported in the literature in individuals affected with NLRP3-related conditions. Invitae Evidence Modeling of protein sequence and biophysical properties (such as structural, functional, and spatial information, amino acid conservation, physicochemical variation, residue mobility, and thermodynamic stability) has been performed for this missense variant. However, the output from this modeling did not meet the statistical confidence thresholds required to predict the impact of this variant on NLRP3 protein function. In summary, the available evidence is currently insufficient to determine the role of this variant in disease. Therefore, it has been classified as a Variant of Uncertain Significance.